The following is an entry in ClinVar:

NC_000012.12:g.112450397_112450398delinsCT

Gene: PTPN11 (protein tyrosine phosphatase non-receptor type 11; plus strand). Cytogenetic location: 12q24.13.
Variant type: Indel.
Genome position: GRCh38 VCF-style: chr12-112450397-AC-CT. GRCh37 (hg19) VCF-style: chr12-112888201-AC-CT.
Other names: c.217_218delinsCT, p.Thr73Leu (NM_001330437.2, NM_002834.5, NM_080601.3); c.214_215delinsCT, p.Thr72Leu (NM_001374625.1); short protein forms T73L, T72L.
Identifiers: ClinVar variation 44604 (VCV000044604.6), dbSNP rs397516802, ClinGen allele CA261574.

ClinVar aggregate classification (germline): Pathogenic. Review status: criteria provided, multiple submitters, no conflicts (2 of 4 stars). 2 submissions from 2 submitters: Pathogenic (2). Last evaluated 2023-02-14.

Conditions:
Noonan syndrome 1 (NS1). Also called: FEMALE PSEUDO-TURNER SYNDROME; PTPN11-Related Noonan Syndrome; TURNER PHENOTYPE WITH NORMAL KARYOTYPE. Identifiers: Orphanet 648, MedGen C4551602, MONDO:0008104, OMIM 163950. Disease mechanism: gain of function.
Noonan syndrome (NS). Also called: Noonan's syndrome. Identifiers: Orphanet 648, MedGen C0028326, MeSH D009634, MONDO:0018997. Disease mechanism: gain of function.

Submissions (2):

Genomic Medicine Lab, University of California San Francisco
Classification: Pathogenic for Noonan syndrome 1. Last evaluated: 2023-02-14. Review status: criteria provided, single submitter. Criteria: ACMG Guidelines, 2015. Collection method: clinical testing. Allele origin: de novo. Affected: yes.

Laboratory for Molecular Medicine, Mass General Brigham Personalized Medicine
Classification: Pathogenic for Noonan syndrome. Last evaluated: 2013-04-02. Review status: criteria provided, single submitter. Criteria: LMM Criteria. Collection method: clinical testing. Allele origin: germline. Observed: 1 variant allele.
Comment: The Thr73Leu variant in PTPN11 has previously been reported in the literature in one individual with clinical features of Noonan syndrome where it was reported to have occurred de novo (Ezquieta 2012). The evidence above taken togeth er supports that this variant is disease causing and responsible for Noonan synd rome and possibly Juvenile myelomonocytic leukemia or myelodysplasia in this ind ividual. In summary, this variant meets our criteria to be classified as pathoge nic.

Literature cited by the submitters: PubMed 22465605 (cited by Laboratory for Molecular Medicine, Mass General Brigham Personalized Medicine); PubMed 12717436 (cited by Laboratory for Molecular Medicine, Mass General Brigham Personalized Medicine); PubMed 16358218 (cited by Laboratory for Molecular Medicine, Mass General Brigham Personalized Medicine); PubMed 15928039 (cited by Laboratory for Molecular Medicine, Mass General Brigham Personalized Medicine); PubMed 15723289 (cited by Laboratory for Molecular Medicine, Mass General Brigham Personalized Medicine).